The following is an entry in ClinVar:

NM_001098426.2(SMARCD2):c.1081del (p.Gln361fs)

Gene: SMARCD2 (SWI/SNF related BAF chromatin remodeling complex subunit D2; minus strand). Cytogenetic location: 17q23.3.
Variant type: Deletion.
Coding change: c.1081del on transcript NM_001098426.2 (MANE Select); coding-DNA position 1081, one base deleted (C; older notation c.1081delC).
Protein change: p.Gln361fs; shifts the reading frame from glutamine 361.
Molecular consequence: frameshift variant.
Genome position (GRCh38, 1-based): chr17:63,834,169, G deleted on the plus strand (C on the coding strand, the reverse complement: SMARCD2 is on the minus strand); the first of 2 consecutive G bases (chr17:63,834,169-63,834,170); deleting either gives the same sequence. VCF-style (leftmost placement, unchanged base first): chr17-63834168-TG-T. GRCh37 (hg19) VCF-style: chr17-61911528-TG-T.
Other names: c.856del, p.Gln286fs (NM_001330439.1); c.937del, p.Gln313fs (NM_001330440.2); short protein forms Q361fs, Q286fs, Q313fs.
Identifiers: ClinVar variation 1423127 (VCV001423127.6), dbSNP rs1215296259, ClinGen allele CA773995009.

ClinVar aggregate classification (germline): Pathogenic (1 of 4 stars; one submission).

Submission:

Labcorp Genetics (formerly Invitae), Labcorp
Classification: Pathogenic. Last evaluated: 2022-02-03. Review status: criteria provided, single submitter. Criteria: Invitae Variant Classification Sherloc (09022015). Collection method: clinical testing. Allele origin: germline.
Comment: This sequence change creates a premature translational stop signal (p.Gln361Argfs*15) in the SMARCD2 gene. It is expected to result in an absent or disrupted protein product. Loss-of-function variants in SMARCD2 are known to be pathogenic (PMID: 28369036). This variant is not present in population databases (gnomAD no frequency). This variant has not been reported in the literature in individuals affected with SMARCD2-related conditions. For these reasons, this variant has been classified as Pathogenic.

Literature cited by the submitters: PubMed 28369036.